The following is an entry in ClinVar:

ClinVar aggregate classification (germline): Benign/Likely benign. Review status: criteria provided, multiple submitters, no conflicts (2 of 4 stars). 4 submissions from 4 submitters: Benign (2); Likely benign (2). Last evaluated 2026-01-26.

Conditions:
Capillary malformation-arteriovenous malformation syndrome. Also called: Capillary malformation-arteriovenous malformation. Identifiers: Orphanet 137667, MedGen C1842180, MONDO:0012016.
Cardiovascular phenotype. Identifiers: MedGen CN230736.

Allele frequency attached by ClinVar (database versions not stated): gnomAD exomes 0.00047 and 0.00085; ExAC 0.00084; gnomAD below 0.00001 and 0.00032; TOPMed 0.00006; 1000 Genomes Project 0.00160; 1000 Genomes Project 30x 0.00172; ESP Exome Variant Server 0.00008.
gnomAD v4.1: 750 of 1,613,848 alleles (0.046%); highest among the groups gnomAD compares: South Asian, 0.78%; 13 homozygotes.

Submissions (4):

Labcorp Genetics (formerly Invitae), Labcorp
Classification: Benign for Capillary malformation-arteriovenous malformation syndrome. Last evaluated: 2026-01-26. Review status: criteria provided, single submitter. Criteria: Invitae Variant Classification Sherloc (09022015). Collection method: clinical testing. Allele origin: germline.

CeGaT Center for Human Genetics Tuebingen
Classification: Benign. Last evaluated: 2024-06-01. Review status: criteria provided, single submitter. Criteria: CeGaT Center For Human Genetics Tuebingen Variant Classification Criteria Version 2. Collection method: clinical testing. Allele origin: germline. Affected: yes. Observed: 1 variant allele.
Comment: RASA1: BP4, BP7, BS1, BS2

Blueprint Genetics
Classification: Likely benign. Last evaluated: 2023-10-31. Review status: criteria provided, single submitter. Criteria: ACMG Guidelines, 2015. Collection method: clinical testing. Allele origin: germline.

Ambry Genetics
Classification: Likely benign for Cardiovascular phenotype. Last evaluated: 2017-06-09. Review status: criteria provided, single submitter. Criteria: Ambry Variant Classification Scheme 2023. Collection method: clinical testing. Allele origin: germline.

NM_002890.3(RASA1):c.612T>C (p.Tyr204=)

Genes: CCNH (cyclin H; minus strand), RASA1 (RAS p21 protein activator 1; plus strand). Cytogenetic location: 5q14.3.
Variant type: single nucleotide variant.
Coding change: c.612T>C on transcript NM_002890.3 (MANE Select); coding-DNA position 612, T replaced by C.
Protein change: p.Tyr204=; no amino-acid change (tyrosine 204 retained).
Molecular consequence: synonymous variant. On other transcripts: intron variant (1).
Genome position (GRCh38, 1-based): chr5:87,331,420, T>C. VCF-style: chr5-87331420-T-C. GRCh37 (hg19) VCF-style: chr5-86627237-T-C.
Other names: c.81T>C, p.Tyr27= (NM_022650.3); c.934-18625A>G (NM_001364075.2).
Identifiers: ClinVar variation 354511 (VCV000354511.36), dbSNP rs377014568, ClinGen allele CA3335525.